The following is an entry in ClinVar:

ClinVar aggregate classification (germline): Uncertain significance. Review status: criteria provided, multiple submitters, no conflicts (2 of 4 stars). 2 submissions from 2 submitters: Uncertain significance (2). Last evaluated 2026-07-29.

Conditions:
Cardiovascular phenotype. Identifiers: MedGen CN230736.
Hereditary cancer-predisposing syndrome. Also called: Tumor predisposition; Hereditary Cancer Syndrome; Neoplastic Syndromes, Hereditary; Hereditary neoplastic syndrome. Identifiers: Orphanet 140162, MedGen C0027672, MeSH D009386, MONDO:0015356.

Submissions (2):

Ambry Genetics
Classification: Uncertain significance for Cardiovascular phenotype; Hereditary cancer-predisposing syndrome. Last evaluated: 2026-07-29. Review status: criteria provided, single submitter. Criteria: Ambry Variant Classification Scheme 2023. Collection method: clinical testing. Allele origin: germline.
Comment: The p.V2105D variant (also known as c.6314T>A), located in coding exon 41 of the NF1 gene, results from a T to A substitution at nucleotide position 6314. The valine at codon 2105 is replaced by aspartic acid, an amino acid with highly dissimilar properties. This amino acid position is conserved. In addition, this alteration is predicted to be deleterious by in silico analysis. Based on the available evidence, the clinical significance of this variant remains unclear.

ARUP Laboratories, Molecular Genetics and Genomics, ARUP Laboratories
Classification: Uncertain significance. Last evaluated: 2018-08-03. Review status: criteria provided, single submitter. Criteria: ARUP Molecular Germline Variant Investigation Process. Collection method: clinical testing. Allele origin: germline.
Comment: The NF1 c.6377T>A; p.Val2126Asp variant, to our knowledge, is not reported in the medical literature or gene specific databases. This variant is also absent from general population databases (1000 Genomes Project, Exome Variant Server, and Genome Aggregation Database), indicating it is not a common polymorphism. The valine at codon 2126 is highly conserved and computational analyses (SIFT, PolyPhen-2) predict that this variant is deleterious. However, due to limited information, the clinical significance of the p.Val2126Asp variant is uncertain at this time.

NM_001042492.3(NF1):c.6377T>A (p.Val2126Asp)

Gene: NF1 (neurofibromin 1; plus strand). Cytogenetic location: 17q11.2.
Variant type: single nucleotide variant.
Coding change: c.6377T>A on transcript NM_001042492.3 (MANE Select); coding-DNA position 6377, T replaced by A.
Protein change: p.Val2126Asp; replaces valine 2126 with aspartic acid.
Molecular consequence: missense variant.
Genome position (GRCh38, 1-based): chr17:31,336,864, T>A. VCF-style: chr17-31336864-T-A. GRCh37 (hg19) VCF-style: chr17-29663882-T-A.
Other names: c.6314T>A, p.Val2105Asp (NM_000267.4); short protein forms V2105D, V2126D.
Identifiers: ClinVar variation 811102 (VCV000811102.10), dbSNP rs1597843145, ClinGen allele CA399012856.
Genomic context (GRCh38, chr17:31,336,864, plus strand): 5'-TTGTTACTTTCTTAGTAGCCACAGGTCCGCTCTCCCTTAGAGCTTCCACACATGGACTGG[T>A]CATTAATATCATTCACTCTCTGTGTACTTGTTCACAGCTTCATTTTAGTGGTAAGTTCTA-3'
Protein context (NP_001035957.1, residues 2116-2136): LSLRASTHGL[Val2126Asp]INIIHSLCTC